The following is an entry in ClinVar:

ClinVar aggregate classification (germline): Uncertain significance. Review status: criteria provided, multiple submitters, no conflicts (2 of 4 stars). 3 submissions from 3 submitters: Uncertain significance (3). Last evaluated 2024-12-02.

Conditions:
PLEC-related disorder. Also called: PLEC-related disorders; PLEC-related condition.
Epidermolysis bullosa simplex 5C, with pyloric atresia (EBS5C). Also called: PLEC-Related Epidermolysis Bullosa with Pyloric Atresia; Epidermolysis bullosa simplex with pyloric atresia; PLEC1-Related Epidermolysis Bullosa with Pyloric Atresia. Identifiers: Orphanet 158684, MedGen C2677349, MONDO:0012807, OMIM 612138.
Epidermolysis bullosa simplex with nail dystrophy (EBS5D). Identifiers: MedGen C4225309, MONDO:0014661, OMIM 616487.
Autosomal recessive limb-girdle muscular dystrophy type 2Q (LGMDR17). Also called: MUSCULAR DYSTROPHY, LIMB-GIRDLE, AUTOSOMAL RECESSIVE 17. Identifiers: Orphanet 254361, MedGen C3150989, MONDO:0013390, OMIM 613723.
Epidermolysis bullosa simplex 5B, with muscular dystrophy (EBS5B). Also called: EPIDERMOLYSIS BULLOSA SIMPLEX AND LIMB-GIRDLE MUSCULAR DYSTROPHY; Epidermolysis bullosa simplex with muscular dystrophy. Identifiers: Orphanet 257, MedGen C2931072, MONDO:0009181, OMIM 226670.
Epidermolysis bullosa simplex, Ogna type (EBS5A). Also called: Pidermolysis bullosa simplex 5A, Ogna type; EPIDERMOLYSIS BULLOSA SIMPLEX 5A, OGNA TYPE. Identifiers: Orphanet 79401, MedGen C0432317, MONDO:0007555, OMIM 131950.

Allele frequency attached by ClinVar (database versions not stated): gnomAD exomes below 0.00001; TOPMed 0.00001.

Submissions (3):

PreventionGenetics, part of Exact Sciences
Classification: Uncertain significance for PLEC-related condition. Last evaluated: 2024-12-02. Review status: criteria provided, single submitter. Criteria: ACMG Guidelines, 2015. Collection method: clinical testing. Allele origin: germline.
Comment: The PLEC c.2944G>A variant is predicted to result in the amino acid substitution p.Glu982Lys. To our knowledge, this variant has not been reported in the literature. This variant is reported in 0.0057% of alleles in individuals of East Asian descent in gnomAD. At this time, the clinical significance of this variant is uncertain due to the absence of conclusive functional and genetic evidence.

Revvity Omics, Revvity
Classification: Uncertain significance. Last evaluated: 2023-10-23. Review status: criteria provided, single submitter. Criteria: ACMG Guidelines, 2015. Collection method: clinical testing. Allele origin: germline.

Labcorp Genetics (formerly Invitae), Labcorp
Classification: Uncertain significance for Autosomal recessive limb-girdle muscular dystrophy type 2Q; Epidermolysis bullosa simplex, Ogna type; Epidermolysis bullosa simplex with nail dystrophy; Epidermolysis bullosa simplex 5C, with pyloric atresia; Epidermolysis bullosa simplex 5B, with muscular dystrophy. Last evaluated: 2020-09-13. Review status: criteria provided, single submitter. Criteria: Invitae Variant Classification Sherloc (09022015). Collection method: clinical testing. Allele origin: germline.
Comment: This variant has not been reported in the literature in individuals with PLEC-related conditions. This variant is not present in population databases (ExAC no frequency). This sequence change replaces glutamic acid with lysine at codon 982 of the PLEC protein (p.Glu982Lys). The glutamic acid residue is highly conserved and there is a small physicochemical difference between glutamic acid and lysine. Experimental studies and prediction algorithms are not available or were not evaluated, and the functional significance of this variant is currently unknown. In summary, the available evidence is currently insufficient to determine the role of this variant in disease. Therefore, it has been classified as a Variant of Uncertain Significance.

NM_201384.3(PLEC):c.2863G>A (p.Glu955Lys)

Gene: PLEC (plectin; minus strand). Cytogenetic location: 8q24.3.
Variant type: single nucleotide variant.
Coding change: c.2863G>A on transcript NM_201384.3 (MANE Select); coding-DNA position 2863, G replaced by A.
Protein change: p.Glu955Lys; replaces glutamic acid 955 with lysine.
Molecular consequence: missense variant.
Genome position (GRCh38, 1-based): chr8:143,929,706, C>T on the plus strand (G>A on the coding strand, the complement: PLEC is on the minus strand). VCF-style: chr8-143929706-C-T. GRCh37 (hg19) VCF-style: chr8-145003874-C-T.
Other names: c.2944G>A, p.Glu982Lys (NM_000445.5); c.2821G>A, p.Glu941Lys (NM_201378.4); c.2797G>A, p.Glu933Lys (NM_201379.3); c.3274G>A, p.Glu1092Lys (NM_201380.4); c.2767G>A, p.Glu923Lys (NM_201381.3); c.2863G>A, p.Glu955Lys (NM_201382.4); c.2875G>A, p.Glu959Lys (NM_201383.3); c.2944G>A (NM_000445.4); short protein forms E1092K, E923K, E933K, E941K, E955K, E959K, E982K.
Identifiers: ClinVar variation 1056694 (VCV001056694.9), dbSNP rs1015204448, ClinGen allele CA187619093.